The following is an entry in ClinVar:

ClinVar aggregate classification (germline): Uncertain significance. Review status: criteria provided, multiple submitters, no conflicts (2 of 4 stars). 3 submissions from 3 submitters: Uncertain significance (3). Last evaluated 2025-08-08.

Conditions:
Hennekam lymphangiectasia-lymphedema syndrome 2 (HKLLS2). Identifiers: Orphanet 2136, MedGen C4014939, MONDO:0014454, OMIM 616006.
Van Maldergem syndrome 2 (VMLDS2). Identifiers: Orphanet 314679, MedGen C3809875, MONDO:0014242, OMIM 615546.
Inborn genetic diseases. Identifiers: MedGen C0950123, MeSH D030342.

gnomAD v4.1: 23 of 1,613,914 alleles (0.0014%); highest among the groups gnomAD compares: African/African-American, 0.004%; no homozygotes.

Submissions (3):

Ambry Genetics
Classification: Uncertain significance for Inborn genetic diseases. Last evaluated: 2025-08-08. Review status: criteria provided, single submitter. Criteria: Ambry Variant Classification Scheme 2023. Collection method: clinical testing. Allele origin: germline.

Clinical Genomics Laboratory, Washington University in St. Louis
Classification: Uncertain significance for Hennekam lymphangiectasia-lymphedema syndrome 2; Van Maldergem syndrome 2. Last evaluated: 2025-08-07. Review status: criteria provided, single submitter. Criteria: ACMG Guidelines, 2015. Collection method: clinical testing. Allele origin: germline.
Comment: A FAT4 c.3199G>A (p.Val1067Ile) variant was identified at a near heterozygous allelic fraction of 46.6%, a frequency which may be consistent with it being of germline origin. This variant to our knowledge, has not been reported in the medical literature but has been reported in the ClinVar database as a germline variant of uncertain significance by a single submitter (ClinVar variation ID: 3589927). This variant is only observed in 23/1,613,914 alleles the general population (gnomAD v.4.1.0), indicating it is not a common variant. Computational predictors suggest that the variant does not impact FAT4 function. Due to limited information, and based on ACMG/AMP guidelines for variant interpretation (Richards S et al., PMID: 25741868), the clinical significance of this variant is uncertain at this time.

Fulgent Genetics
Classification: Uncertain significance for Van Maldergem syndrome 2; Hennekam lymphangiectasia-lymphedema syndrome 2. Last evaluated: 2024-04-02. Review status: criteria provided, single submitter. Criteria: ACMG Guidelines, 2015. Collection method: clinical testing. Allele origin: germline.

NM_001291303.3(FAT4):c.3199G>A (p.Val1067Ile)

Gene: FAT4 (FAT atypical cadherin 4; plus strand). Cytogenetic location: 4q28.1.
Variant type: single nucleotide variant.
Coding change: c.3199G>A on transcript NM_001291303.3 (MANE Select); coding-DNA position 3199, G replaced by A.
Protein change: p.Val1067Ile; replaces valine 1067 with isoleucine.
Molecular consequence: missense variant.
Genome position (GRCh38, 1-based): chr4:125,319,610, G>A. VCF-style: chr4-125319610-G-A. GRCh37 (hg19) VCF-style: chr4-126240765-G-A.
Other names: c.3199G>A (NM_024582.4, NM_024582.5); c.3199G>A, p.Val1067Ile (NM_001291285.3, NM_024582.6); short protein forms V1067I.
Identifiers: ClinVar variation 3589927 (VCV003589927.3).